The following is an entry in ClinVar:

ClinVar aggregate classification (germline): Likely benign. Review status: criteria provided, multiple submitters, no conflicts (2 of 4 stars). 5 submissions from 5 submitters: Likely benign (4). 1 of the submissions does not count toward it. Last evaluated 2025-11-05.

Conditions:
SETBP1-related disorder. Also called: SETBP1-related condition; SETBP1-related disorders.

Allele frequency attached by ClinVar (database versions not stated): gnomAD 0.00009 and 0.00011; TOPMed 0.00009; ESP Exome Variant Server 0.00015; gnomAD exomes 0.00017; 1000 Genomes Project 0.00040; 1000 Genomes Project 30x 0.00047.
gnomAD v4.1: 263 of 1,614,178 alleles (0.016%); highest among the groups gnomAD compares: Non-Finnish European, 0.02%; no homozygotes.

Submissions (5):

Labcorp Genetics (formerly Invitae), Labcorp
Classification: Likely benign. Last evaluated: 2025-11-05. Review status: criteria provided, single submitter. Criteria: Invitae Variant Classification Sherloc (09022015). Collection method: clinical testing. Allele origin: germline.

Blueprint Genetics
Classification: Likely benign. Last evaluated: 2024-11-25. Review status: criteria provided, single submitter. Criteria: ACMG Guidelines, 2015. Collection method: clinical testing. Allele origin: germline.

CeGaT Center for Human Genetics Tuebingen
Classification: Likely benign. Last evaluated: 2022-07-01. Review status: criteria provided, single submitter. Criteria: CeGaT Center For Human Genetics Tuebingen Variant Classification Criteria Version 2. Collection method: clinical testing. Allele origin: germline. Affected: yes. Observed: 2 variant alleles.
Comment: SETBP1: BS1

GeneDx
Classification: Likely benign. Last evaluated: 2021-04-18. Review status: criteria provided, single submitter. Criteria: GeneDx Variant Classification Process June 2021. Collection method: clinical testing. Allele origin: germline. Affected: yes.

PreventionGenetics, part of Exact Sciences
Classification: Likely benign for SETBP1-related condition. Last evaluated: 2019-04-09. Review status: no assertion criteria provided. Collection method: clinical testing. Allele origin: germline. Not counted in ClinVar's aggregate classification.
Comment: This variant is classified as likely benign based on ACMG/AMP sequence variant interpretation guidelines (Richards et al. 2015 PMID: 25741868, with internal and published modifications).

NM_015559.3(SETBP1):c.2267C>T (p.Pro756Leu)

Gene: SETBP1 (SET binding protein 1; plus strand). Cytogenetic location: 18q12.3.
Variant type: single nucleotide variant.
Coding change: c.2267C>T on transcript NM_015559.3 (MANE Select); coding-DNA position 2267, C replaced by T.
Protein change: p.Pro756Leu; replaces proline 756 with leucine.
Molecular consequence: missense variant.
Genome position (GRCh38, 1-based): chr18:44,951,607, C>T. VCF-style: chr18-44951607-C-T. GRCh37 (hg19) VCF-style: chr18-42531572-C-T.
Other names: short protein forms P756L.
Identifiers: ClinVar variation 870743 (VCV000870743.51), dbSNP rs200368452, ClinGen allele CA8945731.